The following is an entry in ClinVar:

ClinVar aggregate classification (germline): Likely pathogenic (1 of 4 stars; one submission).

Submission:

Clinical Genomics Laboratory, Laboratory for Precision Diagnostics, University of Washington
Classification: Likely pathogenic. Last evaluated: 2018-01-11. Review status: criteria provided, single submitter. Criteria: Clinical Cytogenomics Laboratory Policy on CNV Interpretation. Collection method: clinical testing. Allele origin: unknown. Affected: yes. Observed: 1 variant allele.
Comment: Reduced penetrance and variable expressivity

Literature cited by the submitters: PubMed 29129316; PubMed 27853923; PubMed 26095975; PubMed 20506139.

GRCh37/hg19 15q13.2-13.3(chr15:30936285-32514341)x3

Genes: CHRNA7 (cholinergic receptor nicotinic alpha 7 subunit), FAN1 (FANCD2 and FANCI associated nuclease 1; plus strand), KLF13 (KLF transcription factor 13; plus strand), MIR211 (microRNA 211; minus strand), MTMR10 (myotubularin related protein 10; minus strand) and 2 more. Cytogenetic location: 15q13.2-13.3.
Variant type: copy number gain.
Change: copy number 3 (three copies instead of two) of chr15:30,936,285-32,514,341 (1.58 Mb, GRCh37 coordinates, 1-based), cytogenetic band 15q13.2-13.3.
Identifiers: ClinVar variation 816500 (VCV000816500.2).